The following is an entry in ClinVar:

ClinVar aggregate classification (germline): Uncertain significance (1 of 4 stars; one submission).

Conditions:
Hereditary cancer-predisposing syndrome. Also called: Neoplastic Syndromes, Hereditary; Tumor predisposition; Hereditary Cancer Syndrome; Hereditary neoplastic syndrome. Identifiers: Orphanet 140162, MedGen C0027672, MeSH D009386, MONDO:0015356.

Submission:

Ambry Genetics
Classification: Uncertain significance for Hereditary cancer-predisposing syndrome. Last evaluated: 2026-03-09. Review status: criteria provided, single submitter. Criteria: Ambry Variant Classification Scheme 2023. Collection method: clinical testing. Allele origin: germline.
Comment: The p.R256T variant (also known as c.767G>C), located in coding exon 1 of the AXIN2 gene, results from a G to C substitution at nucleotide position 767. The arginine at codon 256 is replaced by threonine, an amino acid with similar properties. This amino acid position is conserved. In addition, this alteration is predicted to be tolerated by in silico analysis. Based on the available evidence, the clinical significance of this variant remains unclear.

NM_004655.4(AXIN2):c.767G>C (p.Arg256Thr)

Gene: AXIN2 (axin 2; minus strand). Cytogenetic location: 17q24.1.
Variant type: single nucleotide variant.
Coding change: c.767G>C on transcript NM_004655.4 (MANE Select); coding-DNA position 767, G replaced by C.
Protein change: p.Arg256Thr; replaces arginine 256 with threonine.
Molecular consequence: missense variant.
Genome position (GRCh38, 1-based): chr17:65,557,854, C>G on the plus strand (G>C on the coding strand, the complement: AXIN2 is on the minus strand). VCF-style: chr17-65557854-C-G. GRCh37 (hg19) VCF-style: chr17-63553972-C-G.
Other names: c.767G>C, p.Arg256Thr (NM_001363813.1); short protein forms R256T.
Identifiers: ClinVar variation 4826947 (VCV004826947.1).